The following is an entry in ClinVar:

NM_174936.4(PCSK9):c.*414C>T

Gene: PCSK9 (proprotein convertase subtilisin/kexin type 9; plus strand). Cytogenetic location: 1p32.3.
Variant type: single nucleotide variant.
Coding change: c.*414C>T on transcript NM_174936.4 (MANE Select); 414 bases downstream of the stop codon, C replaced by T.
Molecular consequence: 3 prime UTR variant.
Genome position (GRCh38, 1-based): chr1:55,063,998, C>T. VCF-style: chr1-55063998-C-T. GRCh37 (hg19) VCF-style: chr1-55529671-C-T.
Other names: c.*414C>T (NM_001407240.1, NM_001407241.1, NM_001407242.1 and 5 more transcripts).
Identifiers: ClinVar variation 297724 (VCV000297724.6), dbSNP rs13376071, ClinGen allele CA10611423.

ClinVar aggregate classification (germline): Benign. Review status: criteria provided, single submitter (1 of 4 stars). 2 submissions from 1 submitter: Benign (2). Last evaluated 2018-01-12.

Conditions:
Hypobetalipoproteinemia. Identifiers: Orphanet 31154, MedGen C0020597, MONDO:0017774.
Hypercholesterolemia, autosomal dominant, 3 (FHCL3). Also called: PCSK9-Related Familial Hypercholesterolemia, Autosomal Dominant; Familial hypercholesterolemia 3; Familial Hypercholesterolemia, Autosomal Dominant, 3. Identifiers: MedGen C1863551, MONDO:0011369, OMIM 603776.

Allele frequency attached by ClinVar (database versions not stated): gnomAD exomes 0.00867; gnomAD 0.02936 and 0.03076; TOPMed 0.02976; 1000 Genomes Project 0.03235; 1000 Genomes Project 30x 0.03342.
gnomAD v4.1: 4,814 of 198,254 alleles (2.4%); highest among the groups gnomAD compares: African/African-American, 8.3%; 174 homozygotes.

Submissions (2):

Illumina Laboratory Services, Illumina
Classification: Benign for Hypercholesterolemia, autosomal dominant, 3. Last evaluated: 2018-01-12. Review status: criteria provided, single submitter. Criteria: ICSL Variant Classification Criteria 13 December 2019. Collection method: clinical testing. Allele origin: germline.
Comment: This variant was observed in the ICSL laboratory as part of a predisposition screen in an ostensibly healthy population. It had not been previously curated by ICSL or reported in the Human Gene Mutation Database (HGMD: prior to June 1st, 2018), and was therefore a candidate for classification through an automated scoring system. Utilizing variant allele frequency, disease prevalence and penetrance estimates, and inheritance mode, an automated score was calculated to assess if this variant is too frequent to cause the disease. Based on the score and internal cut-off values, a variant classified as benign is not then subjected to further curation. The score for this variant resulted in a classification of benign for this disease.

Illumina Laboratory Services, Illumina
Classification: Benign for Hypobetalipoproteinemia. Last evaluated: 2018-01-12. Review status: criteria provided, single submitter. Criteria: ICSL Variant Classification Criteria 13 December 2019. Collection method: clinical testing. Allele origin: germline.
Comment: the same text as in the submission from Illumina Laboratory Services, Illumina above.